The following is an entry in ClinVar:

ClinVar aggregate classification (germline): Uncertain significance (1 of 4 stars; one submission).

Conditions:
Progressive myoclonic epilepsy. Also called: Familial progressive myoclonic epilepsy; Myoclonic Epilepsies, Progressive; Myoclonus epilepsy; Progressive myoclonus epilepsy. Identifiers: Orphanet 308, Orphanet 98261, MedGen C0751778, MONDO:0020074.

Submission:

Labcorp Genetics (formerly Invitae), Labcorp
Classification: Uncertain significance for Progressive myoclonic epilepsy. Last evaluated: 2019-09-28. Review status: criteria provided, single submitter. Criteria: Invitae Variant Classification Sherloc (09022015). Collection method: clinical testing. Allele origin: germline.
Comment: Algorithms developed to predict the effect of missense changes on protein structure and function are either unavailable or do not agree on the potential impact of this missense change (SIFT: "Deleterious"; PolyPhen-2: "Benign"; Align-GVGD: "Class C15"). This variant has not been reported in the literature in individuals with EPM2A-related conditions. This variant is not present in population databases (ExAC no frequency). This sequence change replaces serine with phenylalanine at codon 326 of the EPM2A protein (p.Ser326Phe). The serine residue is highly conserved and there is a large physicochemical difference between serine and phenylalanine. In summary, the available evidence is currently insufficient to determine the role of this variant in disease. Therefore, it has been classified as a Variant of Uncertain Significance.

NM_005670.4(EPM2A):c.977C>T (p.Ser326Phe)

Gene: EPM2A (EPM2A glucan phosphatase, laforin; minus strand). Cytogenetic location: 6q24.3.
Variant type: single nucleotide variant.
Coding change: c.977C>T on transcript NM_005670.4 (MANE Select); coding-DNA position 977, C replaced by T.
Protein change: p.Ser326Phe; replaces serine 326 with phenylalanine.
Molecular consequence: missense variant. On other transcripts: 3 prime UTR variant (1), non-coding transcript variant (1), intron variant (1).
Genome position (GRCh38, 1-based): chr6:145,627,435, G>A on the plus strand (C>T on the coding strand, the complement: EPM2A is on the minus strand). VCF-style: chr6-145627435-G-A. GRCh37 (hg19) VCF-style: chr6-145948571-G-A.
Other names: c.*60C>T (NM_001360057.2); c.563C>T, p.Ser188Phe (NM_001360064.2, NM_001360071.2, NM_001368131.1); c.515C>T, p.Ser172Phe (NM_001368129.2, NM_001368132.1); c.924+53C>T (NM_001018041.2); short protein forms S326F, S172F, S188F.
Identifiers: ClinVar variation 942867 (VCV000942867.9), dbSNP rs1404589826, ClinGen allele CA366189546.